The following is an entry in ClinVar:

NM_006031.6(PCNT):c.6601C>T (p.Arg2201Cys)

Gene: PCNT (pericentrin; plus strand). Cytogenetic location: 21q22.3.
Variant type: single nucleotide variant.
Coding change: c.6601C>T on transcript NM_006031.6 (MANE Select); coding-DNA position 6601, C replaced by T.
Protein change: p.Arg2201Cys; replaces arginine 2201 with cysteine.
Molecular consequence: missense variant.
Genome position (GRCh38, 1-based): chr21:46,416,519, C>T. VCF-style: chr21-46416519-C-T. GRCh37 (hg19) VCF-style: chr21-47836433-C-T.
Other names: c.6247C>T, p.Arg2083Cys (NM_001315529.2); short protein forms R2201C, R2083C.
Identifiers: ClinVar variation 1901882 (VCV001901882.5), dbSNP rs746840086, ClinGen allele CA10080364.
Genomic context (GRCh38, chr21:46,416,519, plus strand): 5'-GAAAAATCAGAATGTCAGGACATGTCTCTTTCTTCACCGACCAGCGTACTTGGTGGCTCC[C>T]GCCACCAGAGCCACACTGCAGAGGCTGGGCCCCGGAAGAGCCCGGTCGGGATGCTGGACC-3'
Protein context (NP_006022.3, residues 2191-2211): SSPTSVLGGS[Arg2201Cys]HQSHTAEAGP

ClinVar aggregate classification (germline): Conflicting classifications of pathogenicity. Review status: criteria provided, conflicting classifications (1 of 4 stars). 3 submissions from 3 submitters: Uncertain significance (2); Likely benign (1). Last evaluated 2025-01-18.

Conditions:
Inborn genetic diseases. Identifiers: MedGen C0950123, MeSH D030342.
PCNT-related disorder. Also called: PCNT-related condition.

Allele frequency attached by ClinVar (database versions not stated): ExAC 0.00003; gnomAD 0.00003; TOPMed 0.00003.
gnomAD v4.1: 39 of 1,613,494 alleles (0.0024%); highest among the groups gnomAD compares: South Asian, 0.0044%; no homozygotes.

Submissions (3):

PreventionGenetics, part of Exact Sciences
Classification: Uncertain significance for PCNT-related condition. Last evaluated: 2025-01-18. Review status: criteria provided, single submitter. Criteria: ACMG Guidelines, 2015. Collection method: clinical testing. Allele origin: germline.
Comment: The PCNT c.6601C>T variant is predicted to result in the amino acid substitution p.Arg2201Cys. To our knowledge, this variant has not been reported in the literature. This variant is reported in 0.0065% of alleles in individuals of South Asian descent in gnomAD. At this time, the clinical significance of this variant is uncertain due to the absence of conclusive functional and genetic evidence.

Labcorp Genetics (formerly Invitae), Labcorp
Classification: Uncertain significance. Last evaluated: 2024-07-17. Review status: criteria provided, single submitter. Criteria: Invitae Variant Classification Sherloc (09022015). Collection method: clinical testing. Allele origin: germline.
Comment: This sequence change replaces arginine, which is basic and polar, with cysteine, which is neutral and slightly polar, at codon 2201 of the PCNT protein (p.Arg2201Cys). This variant is present in population databases (rs746840086, gnomAD 0.006%). This variant has not been reported in the literature in individuals affected with PCNT-related conditions. ClinVar contains an entry for this variant (Variation ID: 1901882). An algorithm developed to predict the effect of missense changes on protein structure and function outputs the following: PolyPhen-2: "Benign". The cysteine amino acid residue is found in multiple mammalian species, which suggests that this missense change does not adversely affect protein function. In summary, the available evidence is currently insufficient to determine the role of this variant in disease. Therefore, it has been classified as a Variant of Uncertain Significance.

Ambry Genetics
Classification: Likely benign for Inborn genetic diseases. Last evaluated: 2022-11-21. Review status: criteria provided, single submitter. Criteria: Ambry Variant Classification Scheme 2023. Collection method: clinical testing. Allele origin: germline.